The following is an entry in ClinVar:

ClinVar aggregate classification (germline): Uncertain significance (1 of 4 stars; one submission).

gnomAD v4.1: 10 of 1,551,046 alleles (0.00064%); highest among the groups gnomAD compares: African/African-American, 0.0014%; no homozygotes.

Submission:

Ambry Genetics
Classification: Uncertain significance. Last evaluated: 2025-01-06. Review status: criteria provided, single submitter. Criteria: Ambry Variant Classification Scheme 2023. Collection method: clinical testing. Allele origin: germline.
Comment: The p.E443K variant (also known as c.1327G>A), located in coding exon 6 of the WNK2 gene, results from a G to A substitution at nucleotide position 1327. The glutamic acid at codon 443 is replaced by lysine, an amino acid with similar properties. This amino acid position is conserved. In addition, this alteration is predicted to be tolerated by in silico analysis. Based on the available evidence, the clinical significance of this variant remains unclear.

NM_006648.4(WNK2):c.1327G>A (p.Glu443Lys)

Gene: WNK2 (WNK lysine deficient protein kinase 2; plus strand). Cytogenetic location: 9q22.31.
Variant type: single nucleotide variant.
Coding change: c.1327G>A on transcript NM_006648.4 (MANE Select); coding-DNA position 1327, G replaced by A.
Protein change: p.Glu443Lys; replaces glutamic acid 443 with lysine.
Molecular consequence: missense variant.
Genome position (GRCh38, 1-based): chr9:93,239,761, G>A. VCF-style: chr9-93239761-G-A. GRCh37 (hg19) VCF-style: chr9-96002043-G-A.
Other names: c.1327G>A, p.Glu443Lys (NM_001282394.3); short protein forms E443K.
Identifiers: ClinVar variation 3816762 (VCV003816762.1).